The following is an entry in ClinVar:

ClinVar aggregate classification (germline): Conflicting classifications of pathogenicity. Review status: criteria provided, conflicting classifications (1 of 4 stars). 4 submissions from 4 submitters: Uncertain significance (1); Likely benign (1). 2 of the submissions do not count toward it. Last evaluated 2025-10-30.

Conditions:
Charcot-Marie-Tooth disease axonal type 2O. Also called: Charcot-Marie-Tooth disease, axonal, type 20; CHARCOT-MARIE-TOOTH NEUROPATHY, AXONAL, TYPE 2O; CHARCOT-MARIE-TOOTH DISEASE, AXONAL, AUTOSOMAL DOMINANT, TYPE 2O; Charcot-Marie-Tooth Neuropathy Type 2O. Identifiers: Orphanet 284232, MedGen C3280220, MONDO:0013644, OMIM 614228.

Allele frequency attached by ClinVar (database versions not stated): gnomAD exomes below 0.00001 and 0.00003; TOPMed below 0.00001.
gnomAD v4.1: 37 of 1,614,080 alleles (0.0023%); highest among the groups gnomAD compares: Non-Finnish European, 0.0029%; no homozygotes.

Submissions (4):

Labcorp Genetics (formerly Invitae), Labcorp
Classification: Likely benign for Charcot-Marie-Tooth disease axonal type 2O. Last evaluated: 2025-10-30. Review status: criteria provided, single submitter. Criteria: Invitae Variant Classification Sherloc (09022015). Collection method: clinical testing. Allele origin: germline.

Centre for Mendelian Genomics, University Medical Centre Ljubljana
Classification: Uncertain significance for Charcot-Marie-Tooth disease axonal type 2O. Last evaluated: 2019-08-12. Review status: criteria provided, single submitter. Criteria: ACMG Guidelines, 2015. Collection method: clinical testing. Allele origin: unknown. Affected: yes.
Comment: This variant was classified as: Uncertain significance. The available evidence on this variant's pathogenicity is insufficient or conflicting. The following ACMG criteria were applied in classifying this variant: PP3.

Clinical Genetics DNA and cytogenetics Diagnostics Lab, Erasmus MC, Erasmus Medical Center
Classification: Uncertain significance. Review status: no assertion criteria provided. Collection method: clinical testing. Allele origin: germline. Affected: yes. Study: VKGL Data-share Consensus. Not counted in ClinVar's aggregate classification.

Genome Diagnostics Laboratory, Amsterdam University Medical Center
Classification: Uncertain significance. Review status: no assertion criteria provided. Collection method: clinical testing. Allele origin: germline. Affected: yes. Study: VKGL Data-share Consensus. Not counted in ClinVar's aggregate classification.

NM_001376.5(DYNC1H1):c.12191C>T (p.Thr4064Met)

Gene: DYNC1H1 (dynein cytoplasmic 1 heavy chain 1; plus strand). Cytogenetic location: 14q32.31.
Variant type: single nucleotide variant.
Coding change: c.12191C>T on transcript NM_001376.5 (MANE Select); coding-DNA position 12191, C replaced by T.
Protein change: p.Thr4064Met; replaces threonine 4064 with methionine.
Molecular consequence: missense variant.
Genome position (GRCh38, 1-based): chr14:102,042,101, C>T. VCF-style: chr14-102042101-C-T. GRCh37 (hg19) VCF-style: chr14-102508438-C-T.
Other names: short protein forms T4064M.
Identifiers: ClinVar variation 931595 (VCV000931595.13), dbSNP rs750249796, ClinGen allele CA266978711.
Genomic context (GRCh38, chr14:102,042,101, plus strand): 5'-GCTCTGTGCCTGGTTATGATGCCAGTGGACATGTCGAGGACCTTGCAGCCGAGCAGAACA[C>T]GCAGATCACTTCAATTGCAATCGGTAAGGATGCTTGAGGGGCTTCATGGGCTGGAGCCCT-3'
Protein context (NP_001367.2, residues 4054-4074): HVEDLAAEQN[Thr4064Met]QITSIAIGSA